The following is an entry in ClinVar:

ClinVar aggregate classification (germline): Pathogenic (1 of 4 stars; one submission).

Conditions:
Fanconi anemia (FA). Also called: Fanconi's anemia. Identifiers: Orphanet 84, MedGen C0015625, MeSH D005199, MONDO:0019391.

Submission:

Labcorp Genetics (formerly Invitae), Labcorp
Classification: Pathogenic for Fanconi anemia. Last evaluated: 2022-03-05. Review status: criteria provided, single submitter. Criteria: Invitae Variant Classification Sherloc (09022015). Collection method: clinical testing. Allele origin: germline.
Comment: For these reasons, this variant has been classified as Pathogenic. This sequence change creates a premature translational stop signal (p.Cys1159*) in the FANCA gene. It is expected to result in an absent or disrupted protein product. Loss-of-function variants in FANCA are known to be pathogenic (PMID: 19367192). This variant is not present in population databases (gnomAD no frequency). This variant has not been reported in the literature in individuals affected with FANCA-related conditions.

Literature cited by the submitters: PubMed 19367192.

NM_000135.4(FANCA):c.3477C>A (p.Cys1159Ter)

Gene: FANCA (FA complementation group A; minus strand). Cytogenetic location: 16q24.3.
Variant type: single nucleotide variant.
Coding change: c.3477C>A on transcript NM_000135.4 (MANE Select); coding-DNA position 3477, C replaced by A.
Protein change: p.Cys1159Ter; replaces cysteine 1159 with a stop codon.
Molecular consequence: nonsense.
Genome position (GRCh38, 1-based): chr16:89,746,620, G>T on the plus strand (C>A on the coding strand, the complement: FANCA is on the minus strand). VCF-style: chr16-89746620-G-T. GRCh37 (hg19) VCF-style: chr16-89813028-G-T.
Other names: c.3477C>A, p.Cys1159Ter (NM_001286167.3); short protein forms C1159*.
Identifiers: ClinVar variation 1970198 (VCV001970198.5), dbSNP rs2143106071, ClinGen allele CA397485891.